The following is an entry in ClinVar:

ClinVar aggregate classification (germline): Pathogenic (0 of 4 stars; one submission).

Conditions:
Steinert myotonic dystrophy syndrome (DM1). Also called: STEINERT DISEASE; Myotonic dystrophy type 1; Dystrophia myotonica type 1; Steinert myotonic dystrophy; Steinert's disease. Identifiers: Orphanet 273, MedGen C3250443, MONDO:0008056, OMIM 160900.

Submission:

Institute of Molecular, Cell and Systems Biology, University of Glasgow
Classification: Pathogenic for Steinert myotonic dystrophy syndrome. Review status: no assertion criteria provided. Criteria: research. Collection method: research. Allele origin: germline. Inheritance: Autosomal dominant inheritance. Affected: no. Observed: 1 heterozygote.
Comment: DMPK CTG repeat expansions greater than approximately 45-50 repeats are assumed to be pathogenic

This record is based on data published in PubMed 25052313, which reports only ClinVar accessions SCV000120188 and SCV000120189. The complete data set includes SCV000207445 - SCV000207579.

Literature cited by the submitters: PubMed 1346923; PubMed 1546326; PubMed 25052313.

NM_004409.5(DMPK):c.*224CTG[135]

Genes: DM1-AS (DM1 locus antisense RNA; plus strand), DMPK (DM1 protein kinase; minus strand), LOC107075317 (origin of replication in DMPK trinucleotide repeat region; plus strand), LOC109461477 (dystrophia myotonica protein kinase repeat instability region; plus strand). Cytogenetic location: 19q13.32.
Variant type: Microsatellite.
Coding change: c.*224CTG[135] on transcript NM_004409.5 (MANE Select); 135 copies in a row of the 3-base unit CTG starting at c.*224.
Molecular consequence: 3 prime UTR variant.
Genome position: GRCh38, VCF-style position (the base before the change): chr19:45,770,204. GRCh37 (hg19), VCF-style position (the base before the change): chr19:46,273,462.
Other names: DM1 CTG repeat expansion; c.*224CTG[135] (NM_001081560.3, NM_001288764.2, NM_001424165.1 and 1 more transcripts); c.*217CTG[135] (NM_001081562.3, NM_001288765.2, NM_001424162.1 and 2 more transcripts); c.*222_*224TGC[135] (NM_001081563.3); c.*369CTG[135] (NM_001288766.2, NM_001424164.1, NM_001424168.1).
Identifiers: ClinVar variation 187922 (VCV000187922.1), ClinGen allele CA915951719.